The following is an entry in ClinVar:

NM_025103.4(IFT74):c.933+6C>T

Gene: IFT74 (intraflagellar transport 74; plus strand). Cytogenetic location: 9p21.2.
Variant type: single nucleotide variant.
Coding change: c.933+6C>T on transcript NM_025103.4 (MANE Select); 6 bases into the intron after coding-DNA position 933, C replaced by T.
Molecular consequence: intron variant.
Genome position (GRCh38, 1-based): chr9:27,017,056, C>T. VCF-style: chr9-27017056-C-T. GRCh37 (hg19) VCF-style: chr9-27017054-C-T.
Other names: c.933+6C>T (NM_001099223.3, NM_001099222.3, NM_001349928.2 and 1 more transcripts).
Identifiers: ClinVar variation 1469008 (VCV001469008.3), dbSNP rs372209311, ClinGen allele CA5015436.

ClinVar aggregate classification (germline): Uncertain significance (1 of 4 stars; one submission).

Allele frequency attached by ClinVar (database versions not stated): gnomAD 0.00001; TOPMed 0.00001; ExAC 0.00002; gnomAD exomes 0.00002; ESP Exome Variant Server 0.00008.
gnomAD v4.1: 30 of 1,589,820 alleles (0.0019%); highest among the groups gnomAD compares: South Asian, 0.0058%; 1 homozygote.

Submission:

Labcorp Genetics (formerly Invitae), Labcorp
Classification: Uncertain significance. Last evaluated: 2021-11-18. Review status: criteria provided, single submitter. Criteria: Invitae Variant Classification Sherloc (09022015). Collection method: clinical testing. Allele origin: germline.
Comment: This sequence change falls in intron 11 of the IFT74 gene. It does not directly change the encoded amino acid sequence of the IFT74 protein. It affects a nucleotide within the consensus splice site. This variant is present in population databases (rs372209311, gnomAD 0.002%). This variant has not been reported in the literature in individuals affected with IFT74-related conditions. Variants that disrupt the consensus splice site are a relatively common cause of aberrant splicing (PMID: 17576681, 9536098). Algorithms developed to predict the effect of sequence changes on RNA splicing suggest that this variant may create or strengthen a splice site. In summary, the available evidence is currently insufficient to determine the role of this variant in disease. Therefore, it has been classified as a Variant of Uncertain Significance.

Literature cited by the submitters: PubMed 17576681; PubMed 9536098.